The following is an entry in ClinVar:

ClinVar aggregate classification (germline): Likely benign (1 of 4 stars; one submission).

gnomAD v4.1: 12 of 1,614,178 alleles (0.00074%); highest among the groups gnomAD compares: Admixed American, 0.0083%; no homozygotes.

Submission:

CeGaT Center for Human Genetics Tuebingen
Classification: Likely benign. Last evaluated: 2026-02-01. Review status: criteria provided, single submitter. Criteria: CeGaT Center For Human Genetics Tuebingen Variant Classification Criteria Version 2. Collection method: clinical testing. Allele origin: germline. Affected: yes. Observed: 1 variant allele.
Comment: ZNF687: BP4, BP7

NM_020832.3(ZNF687):c.915C>T (p.Pro305=)

Gene: ZNF687 (zinc finger protein 687; plus strand). Cytogenetic location: 1q21.3.
Variant type: single nucleotide variant.
Coding change: c.915C>T on transcript NM_020832.3 (MANE Select); coding-DNA position 915, C replaced by T.
Protein change: p.Pro305=; no amino-acid change (proline 305 retained).
Molecular consequence: synonymous variant.
Genome position (GRCh38, 1-based): chr1:151,287,206, C>T. VCF-style: chr1-151287206-C-T. GRCh37 (hg19) VCF-style: chr1-151259682-C-T.
Other names: c.915C>T, p.Pro305= (NM_001304763.2, NM_001304764.2).
Identifiers: ClinVar variation 4821603 (VCV004821603.4).